The following is an entry in ClinVar:

NM_198525.3(KIF7):c.2231G>A (p.Arg744His)

Gene: KIF7 (kinesin family member 7; minus strand). Cytogenetic location: 15q26.1.
Variant type: single nucleotide variant.
Coding change: c.2231G>A on transcript NM_198525.3 (MANE Select); coding-DNA position 2231, G replaced by A.
Protein change: p.Arg744His; replaces arginine 744 with histidine.
Molecular consequence: missense variant.
Genome position (GRCh38, 1-based): chr15:89,642,366, C>T on the plus strand (G>A on the coding strand, the complement: KIF7 is on the minus strand). VCF-style: chr15-89642366-C-T. GRCh37 (hg19) VCF-style: chr15-90185597-C-T.
Other names: short protein forms R744H.
Identifiers: ClinVar variation 887225 (VCV000887225.8), dbSNP rs758730416, ClinGen allele CA7728264.

ClinVar aggregate classification (germline): Uncertain significance. Review status: criteria provided, multiple submitters, no conflicts (2 of 4 stars). 2 submissions from 2 submitters: Uncertain significance (2). Last evaluated 2022-03-10.

Conditions:
Acrocallosal syndrome (ACLS). Also called: HALLUX DUPLICATION, POSTAXIAL POLYDACTYLY, AND ABSENCE OF CORPUS CALLOSUM; Schinzel syndrome 1; Absence of corpus callosum with unusual facial appearance, mental deficiency, duplication of the halluces and polydactyly. Identifiers: Orphanet 36, MedGen C0796147, MONDO:0008708, OMIM 200990.

Allele frequency attached by ClinVar (database versions not stated): gnomAD exomes 0.00002; TOPMed 0.00003; ExAC 0.00005.

Submissions (2):

Labcorp Genetics (formerly Invitae), Labcorp
Classification: Uncertain significance for Acrocallosal syndrome. Last evaluated: 2022-03-10. Review status: criteria provided, single submitter. Criteria: Invitae Variant Classification Sherloc (09022015). Collection method: clinical testing. Allele origin: germline.
Comment: This sequence change replaces arginine, which is basic and polar, with histidine, which is basic and polar, at codon 744 of the KIF7 protein (p.Arg744His). The frequency data for this variant in the population databases is considered unreliable, as metrics indicate poor data quality at this position in the gnomAD database. This variant has not been reported in the literature in individuals affected with KIF7-related conditions. ClinVar contains an entry for this variant (Variation ID: 887225). Algorithms developed to predict the effect of missense changes on protein structure and function output the following: SIFT: "Tolerated"; PolyPhen-2: "Benign"; Align-GVGD: "Class C0". The histidine amino acid residue is found in multiple mammalian species, which suggests that this missense change does not adversely affect protein function. In summary, the available evidence is currently insufficient to determine the role of this variant in disease. Therefore, it has been classified as a Variant of Uncertain Significance.

Illumina Laboratory Services, Illumina
Classification: Uncertain significance for Acrocallosal syndrome. Last evaluated: 2017-04-27. Review status: criteria provided, single submitter. Criteria: ICSL Variant Classification Criteria 13 December 2019. Collection method: clinical testing. Allele origin: germline.